The following is an entry in ClinVar:

ClinVar aggregate classification (germline): Uncertain significance (1 of 4 stars; one submission).

Conditions:
Cardiovascular phenotype. Identifiers: MedGen CN230736.

Submission:

Ambry Genetics
Classification: Uncertain significance for Cardiovascular phenotype. Last evaluated: 2025-12-26. Review status: criteria provided, single submitter. Criteria: Ambry Variant Classification Scheme 2023. Collection method: clinical testing. Allele origin: germline.
Comment: The p.D291G variant (also known as c.872A>G), located in coding exon 7 of the SPRED1 gene, results from an A to G substitution at nucleotide position 872. The aspartic acid at codon 291 is replaced by glycine, an amino acid with similar properties. This amino acid position is conserved. In addition, the in silico prediction for this alteration is inconclusive. Based on the available evidence, the clinical significance of this variant remains unclear.

NM_152594.3(SPRED1):c.872A>G (p.Asp291Gly)

Gene: SPRED1 (sprouty related EVH1 domain containing 1; plus strand). Cytogenetic location: 15q14.
Variant type: single nucleotide variant.
Coding change: c.872A>G on transcript NM_152594.3 (MANE Select); coding-DNA position 872, A replaced by G.
Protein change: p.Asp291Gly; replaces aspartic acid 291 with glycine.
Molecular consequence: missense variant.
Genome position (GRCh38, 1-based): chr15:38,351,201, A>G. VCF-style: chr15-38351201-A-G. GRCh37 (hg19) VCF-style: chr15-38643402-A-G.
Other names: short protein forms D291G.
Identifiers: ClinVar variation 4843970 (VCV004843970.1).